The following is an entry in ClinVar:

NM_001035.3(RYR2):c.12571A>G (p.Asn4191Asp)

Genes: RYR2 (ryanodine receptor 2; plus strand), LOC126806068 (BRD4-independent group 4 enhancer GRCh37_chr1:237947411-237948610; plus strand). Cytogenetic location: 1q43.
Variant type: single nucleotide variant.
Coding change: c.12571A>G on transcript NM_001035.3 (MANE Select); coding-DNA position 12571, A replaced by G.
Protein change: p.Asn4191Asp; replaces asparagine 4191 with aspartic acid.
Molecular consequence: missense variant.
Genome position (GRCh38, 1-based): chr1:237,784,283, A>G. VCF-style: chr1-237784283-A-G. GRCh37 (hg19) VCF-style: chr1-237947583-A-G.
Other names: short protein forms N4191D.
Identifiers: ClinVar variation 2088450 (VCV002088450.4), dbSNP rs2527787196, ClinGen allele CA345413650.

ClinVar aggregate classification (germline): Uncertain significance (1 of 4 stars; one submission).

Conditions:
Catecholaminergic polymorphic ventricular tachycardia 1. Also called: RYR2-Related Catecholaminergic Polymorphic Ventricular Tachycardia; VENTRICULAR TACHYCARDIA, STRESS-INDUCED POLYMORPHIC 1; VENTRICULAR TACHYCARDIA, CATECHOLAMINERGIC POLYMORPHIC, 1, WITH OR WITHOUT ATRIAL DYSFUNCTION AND/OR DILATED CARDIOMYOPATHY. Identifiers: Orphanet 3286, MedGen C1631597, MONDO:0011484, OMIM 604772.

Allele frequency attached by ClinVar (database versions not stated): gnomAD exomes below 0.00001.
gnomAD v4.1: 1 of 1,613,942 alleles (0.000062%); highest among the groups gnomAD compares: Non-Finnish European, 0.000085%; no homozygotes.

Submission:

Labcorp Genetics (formerly Invitae), Labcorp
Classification: Uncertain significance for Catecholaminergic polymorphic ventricular tachycardia 1. Last evaluated: 2024-10-23. Review status: criteria provided, single submitter. Criteria: Invitae Variant Classification Sherloc (09022015). Collection method: clinical testing. Allele origin: germline.
Comment: This sequence change replaces asparagine, which is neutral and polar, with aspartic acid, which is acidic and polar, at codon 4191 of the RYR2 protein (p.Asn4191Asp). This variant is not present in population databases (gnomAD no frequency). This variant has not been reported in the literature in individuals affected with RYR2-related conditions. ClinVar contains an entry for this variant (Variation ID: 2088450). Invitae Evidence Modeling of protein sequence and biophysical properties (such as structural, functional, and spatial information, amino acid conservation, physicochemical variation, residue mobility, and thermodynamic stability) indicates that this missense variant is expected to disrupt RYR2 protein function with a positive predictive value of 95%. In summary, the available evidence is currently insufficient to determine the role of this variant in disease. Therefore, it has been classified as a Variant of Uncertain Significance.